The following is an entry in ClinVar:

ClinVar aggregate classification (germline): Uncertain significance (1 of 4 stars; one submission).

Conditions:
Inborn genetic diseases. Identifiers: MedGen C0950123, MeSH D030342.

gnomAD v4.1: 6 of 1,613,724 alleles (0.00037%); highest among the groups gnomAD compares: Non-Finnish European, 0.00051%; no homozygotes.

Submission:

Ambry Genetics
Classification: Uncertain significance for Inborn genetic diseases. Last evaluated: 2025-08-25. Review status: criteria provided, single submitter. Criteria: Ambry Variant Classification Scheme 2023. Collection method: clinical testing. Allele origin: germline.
Comment: The p.L589V variant (also known as c.1765C>G), located in coding exon 1 of the SAMD9 gene, results from a C to G substitution at nucleotide position 1765. The leucine at codon 589 is replaced by valine, an amino acid with highly similar properties. This amino acid position is conserved. In addition, this alteration is predicted to be tolerated by in silico analysis. Based on the available evidence, the clinical significance of this variant remains unclear.

NM_017654.4(SAMD9):c.1765C>G (p.Leu589Val)

Gene: SAMD9 (sterile alpha motif domain containing 9; minus strand). Cytogenetic location: 7q21.2.
Variant type: single nucleotide variant.
Coding change: c.1765C>G on transcript NM_017654.4 (MANE Select); coding-DNA position 1765, C replaced by G.
Protein change: p.Leu589Val; replaces leucine 589 with valine.
Molecular consequence: missense variant.
Genome position (GRCh38, 1-based): chr7:93,104,333, G>C on the plus strand (C>G on the coding strand, the complement: SAMD9 is on the minus strand). VCF-style: chr7-93104333-G-C. GRCh37 (hg19) VCF-style: chr7-92733646-G-C.
Other names: c.1765C>G, p.Leu589Val (NM_001193307.2); short protein forms L589V.
Identifiers: ClinVar variation 4159186 (VCV004159186.1).